The following is an entry in ClinVar:

ClinVar aggregate classification (germline): Uncertain significance (1 of 4 stars; one submission).

Conditions:
BDP1-related disorder. Also called: BDP1-related condition.

gnomAD v4.1: 751 of 1,613,572 alleles (0.047%); highest among the groups gnomAD compares: South Asian, 0.06%; 3 homozygotes.

Submission:

PreventionGenetics, part of Exact Sciences
Classification: Uncertain significance for BDP1-related condition. Last evaluated: 2026-05-19. Review status: criteria provided, single submitter. Criteria: ACMG Guidelines, 2015. Collection method: clinical testing. Allele origin: germline.
Comment: The BDP1 c.6607T>G variant is predicted to result in the amino acid substitution p.Ser2203Ala. To our knowledge, this variant has not been reported in the literature. This variant is reported in 0.066% of alleles in individuals of European (Non-Finnish) descent in gnomAD. Although we suspect that this variant may be benign, at this time, the clinical significance of this variant is uncertain due to the absence of conclusive functional and genetic evidence.

NM_018429.3(BDP1):c.6607T>G (p.Ser2203Ala)

Gene: BDP1 (BDP1 general transcription factor IIIB subunit; plus strand). Cytogenetic location: 5q13.2.
Variant type: single nucleotide variant.
Coding change: c.6607T>G on transcript NM_018429.3 (MANE Select); coding-DNA position 6607, T replaced by G.
Protein change: p.Ser2203Ala; replaces serine 2203 with alanine.
Molecular consequence: missense variant.
Genome position (GRCh38, 1-based): chr5:71,545,082, T>G. VCF-style: chr5-71545082-T-G. GRCh37 (hg19) VCF-style: chr5-70840909-T-G.
Other names: short protein forms S2203A.
Identifiers: ClinVar variation 4979073 (VCV004979073.1).